The following is an entry in ClinVar:

NM_000169.3(GLA):c.1115T>A (p.Leu372Gln)

Genes: GLA (galactosidase alpha; minus strand), RPL36A-HNRNPH2 (RPL36A-HNRNPH2 readthrough; plus strand). Cytogenetic location: Xq22.1.
Variant type: single nucleotide variant.
Coding change: c.1115T>A on transcript NM_000169.3 (MANE Select); coding-DNA position 1115, T replaced by A.
Protein change: p.Leu372Gln; replaces leucine 372 with glutamine.
Molecular consequence: missense variant. On other transcripts: non-coding transcript variant (3), intron variant (2).
Genome position (GRCh38, 1-based): chrX:101,397,984, A>T on the plus strand (T>A on the coding strand, the complement: GLA is on the minus strand). VCF-style: chrX-101397984-A-T. GRCh37 (hg19) VCF-style: chrX-100652972-A-T.
Other names: NC_000023.10:g.100652972A>T; c.1238T>A, p.Leu413Gln (NM_001406747.1); c.300+2527A>T (NM_001199973.2); c.177+6162A>T (NM_001199974.2); short protein forms L372Q, L413Q.
Identifiers: ClinVar variation 4087640 (VCV004087640.3).
Genomic context (GRCh38, chrX:101,397,984, plus strand): 5'-CTTTTCACAGGGAGGAGCTGTGTGATGAAGCAGGCAGGATTACAGGCCACTCCTTTACCC[A>T]GGGAAGCAACTGCGATGGTATAAGAGCGAGGTCCACCAATCTCCTGCCGGTTTATCATAG-3'
Protein context (NP_000160.1, residues 362-382): PRSYTIAVAS[Leu372Gln]GKGVACNPAC

ClinVar aggregate classification (germline): Likely pathogenic (1 of 4 stars; one submission).

Conditions:
Fabry disease. Also called: ALPHA-GALACTOSIDASE A DEFICIENCY; ANDERSON-FABRY DISEASE; CERAMIDE TRIHEXOSIDASE DEFICIENCY; GLA DEFICIENCY; HEREDITARY DYSTOPIC LIPIDOSIS; Angiokeratoma corporis diffusum. Identifiers: Orphanet 324, MedGen C0002986, MONDO:0010526, OMIM 301500, HP:0001071. Disease mechanism: Fabry disease is due to inactivating mutations in the X-linked GLA gene resulting in deficiency of the enzyme Alpha Galactosidase-A., loss of function.

Submissions (2):

Genomenon, Inc
Classification: Likely pathogenic for Fabry disease. Last evaluated: 2026-09-08. Review status: criteria provided, single submitter. Criteria: Genomenon Sequence Variant Interpretation Standards - Updated. Collection method: curation. Allele origin: germline. Affected: yes.
Comment: GLA p.Leu372Gln (c.1115T>A) is a missense variant that changes the amino acid at codon 372 from Leucine to Glutamine. This variant has been observed in at least one proband with clinical features consistent with Fabry disease (PMID:19285316). At least one functional study has demonstrated a substantial alteration in protein function relative to the wild-type (PMID:27657681). It is absent or not present at a significant frequency in gnomAD. In silico models predict that this variant is possibly or probably damaging. In conclusion, we classify GLA p.Leu372Gln (c.1115T>A) as a likely pathogenic variant.

Dr. Peter K. Rogan Lab, Western University
No classification provided (evidence only). Condition: Nonpapillary renal cell carcinoma. Review status: no classification provided. Collection method: in vitro. Allele origin: not applicable. Functional consequence: retained intron. Not counted in ClinVar's aggregate classification.

Literature cited by the submitters: PubMed 19285316 (cited by Genomenon, Inc); PubMed 27657681 (cited by Genomenon, Inc).